The following is an entry in ClinVar:

ClinVar aggregate classification (germline): Uncertain significance (1 of 4 stars; one submission).

Allele frequency attached by ClinVar (database versions not stated): gnomAD 0.00001; TOPMed 0.00001.
gnomAD v4.1: 4 of 1,613,362 alleles (0.00025%); highest among the groups gnomAD compares: Non-Finnish European, 0.000085%; no homozygotes.

Submission:

Labcorp Genetics (formerly Invitae), Labcorp
Classification: Uncertain significance. Last evaluated: 2022-09-12. Review status: criteria provided, single submitter. Criteria: Invitae Variant Classification Sherloc (09022015). Collection method: clinical testing. Allele origin: germline.
Comment: This sequence change replaces threonine, which is neutral and polar, with arginine, which is basic and polar, at codon 939 of the RBP3 protein (p.Thr939Arg). ClinVar contains an entry for this variant (Variation ID: 957219). This variant has not been reported in the literature in individuals affected with RBP3-related conditions. This variant is not present in population databases (gnomAD no frequency). Algorithms developed to predict the effect of missense changes on protein structure and function are either unavailable or do not agree on the potential impact of this missense change (SIFT: "Deleterious"; PolyPhen-2: "Possibly Damaging"; Align-GVGD: "Class C0"). In summary, the available evidence is currently insufficient to determine the role of this variant in disease. Therefore, it has been classified as a Variant of Uncertain Significance.

NM_002900.3(RBP3):c.2816C>G (p.Thr939Arg)

Gene: RBP3 (retinol binding protein 3; plus strand). Cytogenetic location: 10q11.22.
Variant type: single nucleotide variant.
Coding change: c.2816C>G on transcript NM_002900.3 (MANE Select); coding-DNA position 2816, C replaced by G.
Protein change: p.Thr939Arg; replaces threonine 939 with arginine.
Molecular consequence: missense variant.
Genome position (GRCh38, 1-based): chr10:47,351,300, C>G. VCF-style: chr10-47351300-C-G. GRCh37 (hg19) VCF-style: chr10-48388062-G-C.
Other names: short protein forms T939R.
Identifiers: ClinVar variation 957219 (VCV000957219.9), dbSNP rs201711001, ClinGen allele CA206465598.